The following is an entry in ClinVar:

NM_057175.5(NAA15):c.2303-8T>A

Gene: NAA15 (N-alpha-acetyltransferase 15, NatA auxiliary subunit; plus strand). Cytogenetic location: 4q31.1.
Variant type: single nucleotide variant.
Coding change: c.2303-8T>A on transcript NM_057175.5 (MANE Select); 8 bases into the intron before coding-DNA position 2303, T replaced by A.
Molecular consequence: intron variant.
Genome position (GRCh38, 1-based): chr4:139,386,125, T>A. VCF-style: chr4-139386125-T-A. GRCh37 (hg19) VCF-style: chr4-140307279-T-A.
Other names: c.2303-8T>A (NM_057175.3).
Identifiers: ClinVar variation 2066141 (VCV002066141.30), dbSNP rs368782706, ClinGen allele CA3083818.
Genomic context (GRCh38, chr4:139,386,125, plus strand): 5'-TTTAAATAAGTAGAGGATAAGATGTTGGTTTTACCTTGAAATAAATTTCCTATTTCCCTC[T>A]CATTTAGCTGCCAAAATGGTATATTACTTAGATCCTTCTAGTCAGAAGCGAGCTATAGAG-3'

ClinVar aggregate classification (germline): Benign/Likely benign. Review status: criteria provided, multiple submitters, no conflicts (2 of 4 stars). 3 submissions from 3 submitters: Benign (1); Likely benign (1). 1 of the submissions does not count toward it. Last evaluated 2025-12-01.

Conditions:
NAA15-related disorder.

Allele frequency attached by ClinVar (database versions not stated): TOPMed 0.00023; ESP Exome Variant Server 0.00025; ExAC 0.00028; gnomAD 0.00038.
gnomAD v4.1: 685 of 1,518,432 alleles (0.045%); highest among the groups gnomAD compares: Non-Finnish European, 0.051%; 3 homozygotes.

Submissions (4):

CeGaT Center for Human Genetics Tuebingen
Classification: Likely benign. Last evaluated: 2025-12-01. Review status: criteria provided, single submitter. Criteria: CeGaT Center For Human Genetics Tuebingen Variant Classification Criteria Version 2. Collection method: clinical testing. Allele origin: germline. Affected: yes. Observed: 3 variant alleles.
Comment: NAA15: BP4, BS2

Labcorp Genetics (formerly Invitae), Labcorp
Classification: Benign. Last evaluated: 2025-03-20. Review status: criteria provided, single submitter. Criteria: Invitae Variant Classification Sherloc (09022015). Collection method: clinical testing. Allele origin: germline.

PreventionGenetics, part of Exact Sciences
Classification: Likely benign for NAA15-related condition. Last evaluated: 2021-05-26. Review status: no assertion criteria provided. Collection method: clinical testing. Allele origin: germline. Not counted in ClinVar's aggregate classification.
Comment: This variant is classified as likely benign based on ACMG/AMP sequence variant interpretation guidelines (Richards et al. 2015 PMID: 25741868, with internal and published modifications).

Dr. Peter K. Rogan Lab, Western University
No classification provided (evidence only). Condition: Familial cancer of breast. Review status: no classification provided. Collection method: in vitro. Allele origin: not applicable. Functional consequence: skipped exon, retained intron. Not counted in ClinVar's aggregate classification.